The following is an entry in ClinVar:

NM_033026.6(PCLO):c.1009G>A (p.Gly337Arg)

Gene: PCLO (piccolo presynaptic cytomatrix protein; minus strand). Cytogenetic location: 7q21.11.
Variant type: single nucleotide variant.
Coding change: c.1009G>A on transcript NM_033026.6 (MANE Select); coding-DNA position 1009, G replaced by A.
Protein change: p.Gly337Arg; replaces glycine 337 with arginine.
Molecular consequence: missense variant.
Genome position (GRCh38, 1-based): chr7:83,155,632, C>T on the plus strand (G>A on the coding strand, the complement: PCLO is on the minus strand). VCF-style: chr7-83155632-C-T. GRCh37 (hg19) VCF-style: chr7-82784948-C-T.
Other names: c.1009G>A (NM_033026.5); c.1009G>A, p.Gly337Arg (NM_014510.3); short protein forms G337R.
Identifiers: ClinVar variation 1415597 (VCV001415597.6), dbSNP rs762448033, ClinGen allele CA4321559.

ClinVar aggregate classification (germline): Uncertain significance. Review status: criteria provided, multiple submitters, no conflicts (2 of 4 stars). 3 submissions from 3 submitters: Uncertain significance (3). Last evaluated 2026-02-24.

Conditions:
Inborn genetic diseases. Identifiers: MedGen C0950123, MeSH D030342.

Allele frequency attached by ClinVar (database versions not stated): gnomAD exomes below 0.00001; ExAC 0.00001; gnomAD 0.00002; TOPMed 0.00006.
gnomAD v4.1: 4 of 1,613,666 alleles (0.00025%); highest among the groups gnomAD compares: Admixed American, 0.0067%; no homozygotes.

Submissions (3):

GeneDx
Classification: Uncertain significance. Last evaluated: 2026-02-24. Review status: criteria provided, single submitter. Criteria: GeneDx Variant Classification Process June 2021. Collection method: clinical testing. Allele origin: germline.
Comment: In silico analysis suggests that this missense variant does not alter protein structure/function; Has not been previously published as pathogenic or benign to our knowledge

Ambry Genetics
Classification: Uncertain significance for Inborn genetic diseases. Last evaluated: 2025-11-26. Review status: criteria provided, single submitter. Criteria: Ambry Variant Classification Scheme 2023. Collection method: clinical testing. Allele origin: germline.

Labcorp Genetics (formerly Invitae), Labcorp
Classification: Uncertain significance. Last evaluated: 2022-10-25. Review status: criteria provided, single submitter. Criteria: Invitae Variant Classification Sherloc (09022015). Collection method: clinical testing. Allele origin: germline.
Comment: This sequence change replaces glycine, which is neutral and non-polar, with arginine, which is basic and polar, at codon 337 of the PCLO protein (p.Gly337Arg). This variant is present in population databases (rs762448033, gnomAD 0.006%). This variant has not been reported in the literature in individuals affected with PCLO-related conditions. ClinVar contains an entry for this variant (Variation ID: 1415597). Algorithms developed to predict the effect of missense changes on protein structure and function are either unavailable or do not agree on the potential impact of this missense change (SIFT: "Deleterious"; PolyPhen-2: "Not Available"; Align-GVGD: "Class C0"). In summary, the available evidence is currently insufficient to determine the role of this variant in disease. Therefore, it has been classified as a Variant of Uncertain Significance.